The following is an entry in ClinVar:

ClinVar aggregate classification (germline): Uncertain significance (1 of 4 stars; one submission).

Conditions:
Muscular dystrophy-dystroglycanopathy (congenital with brain and eye anomalies), type a, 11 (MDDGA11). Also called: WALKER-WARBURG SYNDROME OR MUSCLE-EYE-BRAIN DISEASE, B3GALNT2-RELATED; Congenital muscular dystrophy-dystroglycanopathy with brain and eye anomalies, type A11; Muscular dystrophy-dystroglycanopathy (congenital with brain and eye anomalies, type A, 11. Identifiers: Orphanet 588, Orphanet 899, MedGen C3554638, MONDO:0014071, OMIM 615181.

Submission:

Labcorp Genetics (formerly Invitae), Labcorp
Classification: Uncertain significance for Muscular dystrophy-dystroglycanopathy (congenital with brain and eye anomalies), type a, 11. Last evaluated: 2020-12-03. Review status: criteria provided, single submitter. Criteria: Invitae Variant Classification Sherloc (09022015). Collection method: clinical testing. Allele origin: germline.
Comment: This variant results in a copy number gain of the genomic region encompassing the full coding sequence of the B3GALNT2 gene. The boundaries of this event are unknown as they extend beyond the assayed region for this gene and therefore may encompass additional genes. As the precise location of this event is unknown, it may be in tandem or it may be located elsewhere in the genome. This variant has not been reported in the literature in individuals with B3GALNT2-related conditions. In summary, the available evidence is currently insufficient to determine the role of this variant in disease. Therefore, it has been classified as a Variant of Uncertain Significance.

NC_000001.10:g.(?_235609505)_(235668781_?)dup

Genes: B3GALNT2 (beta-1,3-N-acetylgalactosaminyltransferase 2; minus strand), TBCE (tubulin folding cofactor E; plus strand). Cytogenetic location: 1q42.3.
Variant type: Duplication.
Identifiers: ClinVar variation 1016279 (VCV001016279.2).